The following is an entry in ClinVar:

ClinVar aggregate classification (germline): Conflicting classifications of pathogenicity. Review status: criteria provided, conflicting classifications (1 of 4 stars). 2 submissions from 2 submitters: Uncertain significance (1); Likely benign (1). Last evaluated 2024-03-25.

Conditions:
Inborn genetic diseases. Identifiers: MedGen C0950123, MeSH D030342.

Submissions (2):

Ambry Genetics
Classification: Uncertain significance for Inborn genetic diseases. Last evaluated: 2024-03-25. Review status: criteria provided, single submitter. Criteria: Ambry Variant Classification Scheme 2023. Collection method: clinical testing. Allele origin: germline.

GeneDx
Classification: Likely benign. Last evaluated: 2020-07-24. Review status: criteria provided, single submitter. Criteria: GeneDx Variant Classification Process June 2021. Collection method: clinical testing. Allele origin: germline. Affected: yes.
Comment: In silico analysis supports that this missense variant has a deleterious effect on protein structure/function; Has not been previously published as pathogenic or benign to our knowledge

NM_001372044.2(SHANK3):c.2545C>G (p.Arg849Gly)

Gene: SHANK3 (SH3 and multiple ankyrin repeat domains 3; plus strand). Cytogenetic location: 22q13.33.
Variant type: single nucleotide variant.
Coding change: c.2545C>G on transcript NM_001372044.2 (MANE Select); coding-DNA position 2545, C replaced by G.
Protein change: p.Arg849Gly; replaces arginine 849 with glycine.
Molecular consequence: missense variant.
Genome position (GRCh38, 1-based): chr22:50,715,723, C>G. VCF-style: chr22-50715723-C-G. GRCh37 (hg19) VCF-style: chr22-51154151-C-G.
Other names: c.2320C>G (NM_033517.1); short protein forms R849G.
Identifiers: ClinVar variation 1196989 (VCV001196989.3), dbSNP rs766205731, ClinGen allele CA515258242.